The following is an entry in ClinVar:

NM_006059.4(LAMC3):c.2753A>G (p.Lys918Arg)

Gene: LAMC3 (laminin subunit gamma 3; plus strand). Cytogenetic location: 9q34.12.
Variant type: single nucleotide variant.
Coding change: c.2753A>G on transcript NM_006059.4 (MANE Select); coding-DNA position 2753, A replaced by G.
Protein change: p.Lys918Arg; replaces lysine 918 with arginine.
Molecular consequence: missense variant.
Genome position (GRCh38, 1-based): chr9:131,068,913, A>G. VCF-style: chr9-131068913-A-G. GRCh37 (hg19) VCF-style: chr9-133944300-A-G.
Other names: short protein forms K918R.
Identifiers: ClinVar variation 2010538 (VCV002010538.4), dbSNP rs2538302574, ClinGen allele CA375254442.

ClinVar aggregate classification (germline): Uncertain significance (1 of 4 stars; one submission).

Submission:

Labcorp Genetics (formerly Invitae), Labcorp
Classification: Uncertain significance. Last evaluated: 2022-06-25. Review status: criteria provided, single submitter. Criteria: Invitae Variant Classification Sherloc (09022015). Collection method: clinical testing. Allele origin: germline.
Comment: This sequence change replaces lysine, which is basic and polar, with arginine, which is basic and polar, at codon 918 of the LAMC3 protein (p.Lys918Arg). This variant is not present in population databases (gnomAD no frequency). This variant has not been reported in the literature in individuals affected with LAMC3-related conditions. Algorithms developed to predict the effect of missense changes on protein structure and function output the following: SIFT: "Tolerated"; PolyPhen-2: "Benign"; Align-GVGD: "Class C0". The arginine amino acid residue is found in multiple mammalian species, which suggests that this missense change does not adversely affect protein function. Algorithms developed to predict the effect of sequence changes on RNA splicing suggest that this variant may disrupt the consensus splice site. In summary, the available evidence is currently insufficient to determine the role of this variant in disease. Therefore, it has been classified as a Variant of Uncertain Significance.